The following is an entry in ClinVar:

ClinVar aggregate classification (germline): Uncertain significance (1 of 4 stars; one submission).

Submission:

Ambry Genetics
Classification: Uncertain significance. Last evaluated: 2024-09-08. Review status: criteria provided, single submitter. Criteria: Ambry Variant Classification Scheme 2023. Collection method: clinical testing. Allele origin: germline.
Comment: The p.F623V variant (also known as c.1867T>G), located in coding exon 14 of the RECQL gene, results from a T to G substitution at nucleotide position 1867. The phenylalanine at codon 623 is replaced by valine, an amino acid with highly similar properties. This amino acid position is conserved. In addition, this alteration is predicted to be tolerated by in silico analysis. Since supporting evidence is limited at this time, the clinical significance of this alteration remains unclear.

NM_002907.4(RECQL):c.1867T>G (p.Phe623Val)

Genes: PYROXD1 (pyridine nucleotide-disulphide oxidoreductase domain 1; plus strand), RECQL (RecQ like helicase; minus strand). Cytogenetic location: 12p12.1.
Variant type: single nucleotide variant.
Coding change: c.1867T>G on transcript NM_002907.4 (MANE Select); coding-DNA position 1867, T replaced by G.
Protein change: p.Phe623Val; replaces phenylalanine 623 with valine.
Molecular consequence: missense variant. On other transcripts: 3 prime UTR variant (3).
Genome position (GRCh38, 1-based): chr12:21,470,277, A>C on the plus strand (T>G on the coding strand, the complement: RECQL is on the minus strand). VCF-style: chr12-21470277-A-C. GRCh37 (hg19) VCF-style: chr12-21623211-A-C.
Other names: c.1867T>G, p.Phe623Val (NM_032941.3); c.*1523A>C (NM_001350912.2, NM_001350913.2, NM_024854.5); short protein forms F623V.
Identifiers: ClinVar variation 1781601 (VCV001781601.3), dbSNP rs2540305499, ClinGen allele CA384113773.